The following is an entry in ClinVar:

ClinVar aggregate classification (germline): Pathogenic/Likely pathogenic. Review status: criteria provided, multiple submitters, no conflicts (2 of 4 stars). 3 submissions from 3 submitters: Pathogenic (2); Likely pathogenic (1). Last evaluated 2024-04-27.

Conditions:
Bardet-Biedl syndrome 10 (BBS10). Identifiers: Orphanet 110, MedGen C1859568, MONDO:0014438, OMIM 615987.
Bardet-Biedl syndrome (BBS). Identifiers: Orphanet 110, MedGen C0752166, MONDO:0015229.
BBS10-related disorder. Also called: BBS10-related condition.

Submissions (3):

Fulgent Genetics
Classification: Likely pathogenic for Bardet-Biedl syndrome 10. Last evaluated: 2024-04-27. Review status: criteria provided, single submitter. Criteria: ACMG Guidelines, 2015. Collection method: clinical testing. Allele origin: germline.

Labcorp Genetics (formerly Invitae), Labcorp
Classification: Pathogenic for Bardet-Biedl syndrome. Last evaluated: 2023-10-03. Review status: criteria provided, single submitter. Criteria: Invitae Variant Classification Sherloc (09022015). Collection method: clinical testing. Allele origin: germline.
Comment: This sequence change creates a premature translational stop signal (p.Gln131Argfs*4) in the BBS10 gene. While this is not anticipated to result in nonsense mediated decay, it is expected to disrupt the last 593 amino acid(s) of the BBS10 protein. This variant is present in population databases (no rsID available, gnomAD 0.0009%). This premature translational stop signal has been observed in individual(s) with Bardet–Biedl syndrome (PMID: 21052717). ClinVar contains an entry for this variant (Variation ID: 2137392). This variant disrupts a region of the BBS10 protein in which other variant(s) (p.Val707*) have been determined to be pathogenic (PMID: 20472660, 22773737, 25982971, 27486776). This suggests that this is a clinically significant region of the protein, and that variants that disrupt it are likely to be disease-causing. For these reasons, this variant has been classified as Pathogenic.

Blueprint Genetics
Classification: Pathogenic for BBS10-related disorders. Last evaluated: 2022-09-01. Review status: criteria provided, single submitter. Criteria: ACMG Guidelines, 2015. Collection method: clinical testing. Allele origin: germline. Affected: yes. Observed: 1 variant allele.

Literature cited by the submitters: PubMed 21052717 (cited by Labcorp Genetics (formerly Invitae), Labcorp); PubMed 20472660 (cited by Labcorp Genetics (formerly Invitae), Labcorp); PubMed 22773737 (cited by Labcorp Genetics (formerly Invitae), Labcorp); PubMed 25982971 (cited by Labcorp Genetics (formerly Invitae), Labcorp); PubMed 27486776 (cited by Labcorp Genetics (formerly Invitae), Labcorp).

NM_024685.4(BBS10):c.391del (p.Gln131fs)

Gene: BBS10 (Bardet-Biedl syndrome 10; minus strand). Cytogenetic location: 12q21.2.
Variant type: Deletion.
Coding change: c.391del on transcript NM_024685.4 (MANE Select); coding-DNA position 391, one base deleted (C; older notation c.391delC).
Protein change: p.Gln131fs; shifts the reading frame from glutamine 131.
Molecular consequence: frameshift variant.
Genome position (GRCh38, 1-based): chr12:76,347,594, G deleted on the plus strand (C on the coding strand, the reverse complement: BBS10 is on the minus strand); the first of 3 consecutive G bases (chr12:76,347,594-76,347,596); deleting any one gives the same sequence. VCF-style (leftmost placement, unchanged base first): chr12-76347593-TG-T. GRCh37 (hg19) VCF-style: chr12-76741373-TG-T.
Other names: short protein forms Q131fs.
Identifiers: ClinVar variation 2137392 (VCV002137392.6), dbSNP rs1462503482, ClinGen allele CA606185944.